The following is an entry in ClinVar:

ClinVar aggregate classification (germline): Uncertain significance. Review status: criteria provided, multiple submitters, no conflicts (2 of 4 stars). 2 submissions from 2 submitters: Uncertain significance (2). Last evaluated 2025-08-27.

gnomAD v4.1: 1 of 1,614,130 alleles (0.000062%); highest among the groups gnomAD compares: Middle Eastern, 0.016%; no homozygotes.

Submissions (2):

Mayo Clinic Laboratories, Mayo Clinic
Classification: Uncertain significance. Last evaluated: 2025-08-27. Review status: criteria provided, single submitter. Criteria: ACMG Guidelines, 2015. Collection method: clinical testing. Allele origin: germline. Observed: 1 variant allele.
Comment: BP4_moderate, PM2_supporting

Revvity Omics, Revvity
Classification: Uncertain significance. Last evaluated: 2019-10-22. Review status: criteria provided, single submitter. Criteria: ACMG Guidelines, 2015. Collection method: clinical testing. Allele origin: germline.

NM_003126.4(SPTA1):c.6004C>A (p.Gln2002Lys)

Gene: SPTA1 (spectrin alpha, erythrocytic 1; minus strand). Cytogenetic location: 1q23.1.
Variant type: single nucleotide variant.
Coding change: c.6004C>A on transcript NM_003126.4 (MANE Select); coding-DNA position 6004, C replaced by A.
Protein change: p.Gln2002Lys; replaces glutamine 2002 with lysine.
Molecular consequence: missense variant.
Genome position (GRCh38, 1-based): chr1:158,623,099, G>T on the plus strand (C>A on the coding strand, the complement: SPTA1 is on the minus strand). VCF-style: chr1-158623099-G-T. GRCh37 (hg19) VCF-style: chr1-158592889-G-T.
Other names: p.Gln2002Lys; short protein forms Q2002K.
Identifiers: ClinVar variation 2436335 (VCV002436335.4), dbSNP rs2526245679, ClinGen allele CA343019943.